The following is an entry in ClinVar:

ClinVar aggregate classification (germline): Conflicting classifications of pathogenicity. Review status: criteria provided, conflicting classifications (1 of 4 stars). 5 submissions from 5 submitters: Uncertain significance (3); Likely benign (2). Last evaluated 2026-09-04.

Allele frequency attached by ClinVar (database versions not stated): gnomAD 0.00007 and 0.00008; TOPMed 0.00009; gnomAD exomes 0.00011 and 0.00013; ExAC 0.00014.

Submissions (5):

GeneDx
Classification: Uncertain significance. Last evaluated: 2026-09-04. Review status: criteria provided, single submitter. Criteria: GeneDx Variant Classification Process June 2021. Collection method: clinical testing. Allele origin: germline.
Comment: In silico analysis suggests that this missense variant does not alter protein structure/function; Has not been previously published as pathogenic or benign to our knowledge

CeGaT Center for Human Genetics Tuebingen
Classification: Uncertain significance. Last evaluated: 2025-09-01. Review status: criteria provided, single submitter. Criteria: CeGaT Center For Human Genetics Tuebingen Variant Classification Criteria Version 2. Collection method: clinical testing. Allele origin: germline. Affected: yes. Observed: 1 variant allele.
Comment: USH1C: PM2, BP4

Blueprint Genetics
Classification: Likely benign. Last evaluated: 2024-11-20. Review status: criteria provided, single submitter. Criteria: ACMG Guidelines, 2015. Collection method: clinical testing. Allele origin: germline.

Labcorp Genetics (formerly Invitae), Labcorp
Classification: Uncertain significance. Last evaluated: 2022-10-24. Review status: criteria provided, single submitter. Criteria: Invitae Variant Classification Sherloc (09022015). Collection method: clinical testing. Allele origin: germline.
Comment: This sequence change replaces arginine, which is basic and polar, with glutamine, which is neutral and polar, at codon 196 of the USH1C protein (p.Arg196Gln). This variant is present in population databases (rs397517883, gnomAD 0.2%). This variant has not been reported in the literature in individuals affected with USH1C-related conditions. ClinVar contains an entry for this variant (Variation ID: 48020). Algorithms developed to predict the effect of missense changes on protein structure and function output the following: SIFT: "Tolerated"; PolyPhen-2: "Benign"; Align-GVGD: "Class C0". The glutamine amino acid residue is found in multiple mammalian species, which suggests that this missense change does not adversely affect protein function. In summary, the available evidence is currently insufficient to determine the role of this variant in disease. Therefore, it has been classified as a Variant of Uncertain Significance.

Laboratory for Molecular Medicine, Mass General Brigham Personalized Medicine
Classification: Likely benign. Last evaluated: 2014-05-11. Review status: criteria provided, single submitter. Criteria: LMM Criteria. Collection method: clinical testing. Allele origin: germline. Observed: 1 variant allele.
Comment: Arg196Gln in exon 8 of USH1C: This variant is not expected to have clinical sign ificance because the arginine (Arg) at position 196 is not conserved in mammals or across evolutionarily distant species, and seven mammals have a glutamine (Gl n) at this position.

NM_153676.4(USH1C):c.587G>A (p.Arg196Gln)

Gene: USH1C (USH1 protein network component harmonin; minus strand). Cytogenetic location: 11p15.1.
Variant type: single nucleotide variant.
Coding change: c.587G>A on transcript NM_153676.4 (MANE Select); coding-DNA position 587, G replaced by A.
Protein change: p.Arg196Gln; replaces arginine 196 with glutamine.
Molecular consequence: missense variant. On other transcripts: non-coding transcript variant (1).
Genome position (GRCh38, 1-based): chr11:17,526,434, C>T on the plus strand (G>A on the coding strand, the complement: USH1C is on the minus strand). VCF-style: chr11-17526434-C-T. GRCh37 (hg19) VCF-style: chr11-17547981-C-T.
Other names: c.587G>A, p.Arg196Gln (NM_001297764.2, NM_005709.4); short protein forms R196Q.
Identifiers: ClinVar variation 48020 (VCV000048020.18), dbSNP rs397517883, ClinGen allele CA142389.